The following is an entry in ClinVar:

ClinVar aggregate classification (germline): Conflicting classifications of pathogenicity. Review status: criteria provided, conflicting classifications (1 of 4 stars). 6 submissions from 5 submitters: Uncertain significance (1); Benign (4); Likely benign (1). Last evaluated 2026-06-01.

Conditions:
Autosomal recessive nonsyndromic hearing loss 21. Identifiers: Orphanet 90636, MedGen C1863655, MONDO:0011351, OMIM 603629.
Autosomal dominant nonsyndromic hearing loss 12. Also called: DEAFNESS, AUTOSOMAL DOMINANT 8. Identifiers: Orphanet 90635, MedGen C1832187, MONDO:0011102, OMIM 601543.

Allele frequency attached by ClinVar (database versions not stated): 1000 Genomes Project 30x 0.00125; 1000 Genomes Project 0.00140; TOPMed 0.00286; gnomAD 0.00392 and 0.00395; ExAC 0.00400; gnomAD exomes 0.00417; ESP Exome Variant Server 0.00508.
gnomAD v4.1: 7,522 of 1,613,996 alleles (0.47%); highest among the groups gnomAD compares: Non-Finnish European, 0.5%; 26 homozygotes.

Submissions (6):

CeGaT Center for Human Genetics Tuebingen
Classification: Likely benign. Last evaluated: 2026-06-01. Review status: criteria provided, single submitter. Criteria: CeGaT Center For Human Genetics Tuebingen Variant Classification Criteria Version 2. Collection method: clinical testing. Allele origin: germline. Affected: yes. Observed: 5 variant alleles.
Comment: TECTA: BP4, BP7, BS2

Labcorp Genetics (formerly Invitae), Labcorp
Classification: Benign. Last evaluated: 2026-02-04. Review status: criteria provided, single submitter. Criteria: Invitae Variant Classification Sherloc (09022015). Collection method: clinical testing. Allele origin: germline.

GeneDx
Classification: Benign. Last evaluated: 2018-04-11. Review status: criteria provided, single submitter. Criteria: GeneDx Variant Classification (06012015). Collection method: clinical testing. Allele origin: germline. Affected: yes.
Comment: This variant is considered likely benign or benign based on one or more of the following criteria: it is a conservative change, it occurs at a poorly conserved position in the protein, it is predicted to be benign by multiple in silico algorithms, and/or has population frequency not consistent with disease.

Illumina Laboratory Services, Illumina
Classification: Benign for Autosomal dominant nonsyndromic hearing loss 12. Last evaluated: 2018-01-13. Review status: criteria provided, single submitter. Criteria: ICSL Variant Classification Criteria 13 December 2019. Collection method: clinical testing. Allele origin: germline.
Comment: This variant was observed in the ICSL laboratory as part of a predisposition screen in an ostensibly healthy population. It had not been previously curated by ICSL or reported in the Human Gene Mutation Database (HGMD: prior to June 1st, 2018), and was therefore a candidate for classification through an automated scoring system. Utilizing variant allele frequency, disease prevalence and penetrance estimates, and inheritance mode, an automated score was calculated to assess if this variant is too frequent to cause the disease. Based on the score and internal cut-off values, a variant classified as benign is not then subjected to further curation. The score for this variant resulted in a classification of benign for this disease.

Illumina Laboratory Services, Illumina
Classification: Uncertain significance for Autosomal recessive nonsyndromic hearing loss 21. Last evaluated: 2018-01-13. Review status: criteria provided, single submitter. Criteria: ICSL Variant Classification Criteria 13 December 2019. Collection method: clinical testing. Allele origin: germline.

Laboratory for Molecular Medicine, Mass General Brigham Personalized Medicine
Classification: Benign. Last evaluated: 2012-05-07. Review status: criteria provided, single submitter. Criteria: LMM Criteria. Collection method: clinical testing. Allele origin: germline. Observed: 12 variant alleles.
Comment: "His927His in Exon 09 of TECTA: This variant is not expected to have clinical si gnificance because it does not alter an amino acid residue, is not located withi n the splice consensus sequence, and has been identified in 0.6% (43/7020) of Eu ropean American chromosomes from a broad population by the NHLBI Exome Sequencin g Project (dbSNP rs142903119)."

NM_005422.4(TECTA):c.2781T>C (p.His927=)

Genes: TBCEL-TECTA (TBCEL-TECTA readthrough; plus strand), TECTA (tectorin alpha; plus strand), LOC126861365 (P300/CBP strongly-dependent group 1 enhancer GRCh37_chr11:121000154-121001353; plus strand). Cytogenetic location: 11q23.3.
Variant type: single nucleotide variant.
Coding change: c.2781T>C on transcript NM_005422.4 (MANE Select); coding-DNA position 2781, T replaced by C.
Protein change: p.His927=; no amino-acid change (histidine 927 retained).
Molecular consequence: synonymous variant.
Genome position (GRCh38, 1-based): chr11:121,130,051, T>C. VCF-style: chr11-121130051-T-C. GRCh37 (hg19) VCF-style: chr11-121000760-T-C.
Other names: c.3738T>C, p.His1246= (NM_001378761.1).
Identifiers: ClinVar variation 178636 (VCV000178636.50), dbSNP rs142903119, ClinGen allele CA182708.